The following is an entry in ClinVar:

NM_000384.3(APOB):c.82+12G>C

Genes: APOB (apolipoprotein B; minus strand), LOC106560211 (APOB 5' regulatory region; plus strand). Cytogenetic location: 2p24.1.
Variant type: single nucleotide variant.
Coding change: c.82+12G>C on transcript NM_000384.3 (MANE Select); 12 bases into the intron after coding-DNA position 82, G replaced by C.
Molecular consequence: intron variant.
Genome position (GRCh38, 1-based): chr2:21,043,852, C>G on the plus strand (G>C on the coding strand, the complement: APOB is on the minus strand). VCF-style: chr2-21043852-C-G. GRCh37 (hg19) VCF-style: chr2-21266724-C-G.
Identifiers: ClinVar variation 682399 (VCV000682399.5), dbSNP rs757119717, ClinGen allele CA065389.

ClinVar aggregate classification (germline): Likely benign. Review status: criteria provided, multiple submitters, no conflicts (2 of 4 stars). 3 submissions from 3 submitters: Likely benign (3). Last evaluated 2025-09-28.

Conditions:
Familial hypobetalipoproteinemia 1. Also called: Hypobetalipoproteinemia, normotriglyceridemic; Acanthocytosis with hypobetalipoproteinemia; APOB-Related Familial Hypobetalipoproteinemia. Identifiers: MedGen C4551990, MONDO:0014252, OMIM 615558.
Hypercholesterolemia, autosomal dominant, type B (FHCL2). Also called: Familial Hypercholesterolemia Type B; APOLIPOPROTEIN B-100, FAMILIAL DEFECTIVE; APOLIPOPROTEIN B-100, FAMILIAL LIGAND-DEFECTIVE; Hyperlipoproteinemia Type IIb; HYPERCHOLESTEROLEMIA, FAMILIAL, DUE TO LIGAND-DEFECTIVE APOLIPOPROTEIN B; APOB-Related Familial Hypercholesterolemia, Autosomal Dominant. Identifiers: MedGen C1704417, MONDO:0007751, OMIM 144010.

Allele frequency attached by ClinVar (database versions not stated): ExAC below 0.00001; TOPMed below 0.00001; gnomAD 0.00001; gnomAD exomes 0.00001.
gnomAD v4.1: 20 of 1,523,968 alleles (0.0013%); highest among the groups gnomAD compares: Admixed American, 0.002%; no homozygotes.

Submissions (3):

Labcorp Genetics (formerly Invitae), Labcorp
Classification: Likely benign for Familial hypobetalipoproteinemia 1; Hypercholesterolemia, autosomal dominant, type B. Last evaluated: 2025-09-28. Review status: criteria provided, single submitter. Criteria: Invitae Variant Classification Sherloc (09022015). Collection method: clinical testing. Allele origin: germline.

Blueprint Genetics
Classification: Likely benign. Last evaluated: 2022-06-20. Review status: criteria provided, single submitter. Criteria: ACMG Guidelines, 2015. Collection method: clinical testing. Allele origin: germline.

GeneDx
Classification: Likely benign. Last evaluated: 2018-04-23. Review status: criteria provided, single submitter. Criteria: GeneDx Variant Classification (06012015). Collection method: clinical testing. Allele origin: germline. Affected: yes.
Comment: This variant is considered likely benign or benign based on one or more of the following criteria: it is a conservative change, it occurs at a poorly conserved position in the protein, it is predicted to be benign by multiple in silico algorithms, and/or has population frequency not consistent with disease.